The following is an entry in ClinVar:

NM_000182.5(HADHA):c.893del (p.Tyr298fs)

Gene: HADHA (hydroxyacyl-CoA dehydrogenase trifunctional multienzyme complex subunit alpha; minus strand). Cytogenetic location: 2p23.3.
Variant type: Deletion.
Coding change: c.893del on transcript NM_000182.5 (MANE Select); coding-DNA position 893, one base deleted (A; older notation c.893delA).
Protein change: p.Tyr298fs; shifts the reading frame from tyrosine 298.
Molecular consequence: frameshift variant.
Genome position (GRCh38, 1-based): chr2:26,214,468, T deleted on the plus strand (A on the coding strand, the reverse complement: HADHA is on the minus strand). VCF-style (leftmost placement, unchanged base first): chr2-26214467-AT-A. GRCh37 (hg19) VCF-style: chr2-26437336-AT-A.
Other names: short protein forms Y298fs.
Identifiers: ClinVar variation 2928078 (VCV002928078.3), dbSNP rs2465560282, ClinGen allele CA2740092742.

ClinVar aggregate classification (germline): Pathogenic (1 of 4 stars; one submission).

Conditions:
Mitochondrial trifunctional protein deficiency. Identifiers: Orphanet 746, MedGen C1969443, MONDO:0012172.
Long chain 3-hydroxyacyl-CoA dehydrogenase deficiency. Also called: Deficiency of long-chain 3-hydroxyacyl-coenzyme A dehydrogenase; LCHAD Deficiency. Identifiers: Orphanet 5, MedGen C3711645, MONDO:0012173, OMIM 609016.

Submission:

Labcorp Genetics (formerly Invitae), Labcorp
Classification: Pathogenic for Mitochondrial trifunctional protein deficiency; Long chain 3-hydroxyacyl-CoA dehydrogenase deficiency. Last evaluated: 2023-06-09. Review status: criteria provided, single submitter. Criteria: Invitae Variant Classification Sherloc (09022015). Collection method: clinical testing. Allele origin: germline.
Comment: For these reasons, this variant has been classified as Pathogenic. This variant has not been reported in the literature in individuals affected with HADHA-related conditions. This variant is not present in population databases (gnomAD no frequency). This sequence change creates a premature translational stop signal (p.Tyr298Phefs*5) in the HADHA gene. It is expected to result in an absent or disrupted protein product. Loss-of-function variants in HADHA are known to be pathogenic (PMID: 7738175, 21103935, 21549624, 22459206).

Literature cited by the submitters: PubMed 7738175; PubMed 21103935; PubMed 21549624; PubMed 22459206.